The following is an entry in ClinVar:

ClinVar aggregate classification (germline): Uncertain significance (1 of 4 stars; one submission).

gnomAD v4.1: 3 of 1,602,788 alleles (0.00019%); highest among the groups gnomAD compares: Middle Eastern, 0.017%; no homozygotes.

Submission:

CeGaT Center for Human Genetics Tuebingen
Classification: Uncertain significance. Last evaluated: 2024-12-01. Review status: criteria provided, single submitter. Criteria: CeGaT Center For Human Genetics Tuebingen Variant Classification Criteria Version 2. Collection method: clinical testing. Allele origin: germline. Affected: yes. Observed: 1 variant allele.
Comment: SHOC1: PM2, BP4

NM_001378211.1(SHOC1):c.524T>C (p.Leu175Pro)

Gene: SHOC1 (shortage in chiasmata 1; minus strand). Cytogenetic location: 9q31.3.
Variant type: single nucleotide variant.
Coding change: c.524T>C on transcript NM_001378211.1 (MANE Select); coding-DNA position 524, T replaced by C.
Protein change: p.Leu175Pro; replaces leucine 175 with proline.
Molecular consequence: missense variant. On other transcripts: non-coding transcript variant (1).
Genome position (GRCh38, 1-based): chr9:111,758,767, A>G on the plus strand (T>C on the coding strand, the complement: SHOC1 is on the minus strand). VCF-style: chr9-111758767-A-G. GRCh37 (hg19) VCF-style: chr9-114521047-A-G.
Other names: c.215T>C, p.Leu72Pro (NM_001080551.3, NM_001378212.1); c.332T>C, p.Leu111Pro (NM_173521.5); short protein forms L111P, L175P, L72P.
Identifiers: ClinVar variation 3771308 (VCV003771308.13).
Genomic context (GRCh38, chr9:111,758,767, plus strand): 5'-GCTTCTGTGAAGATCTGTCCTTTGAAATCTAAAAGAGGATCCTTTACCAAAAACAGTTTT[A>G]GTCTACTCAAGAGAGTAGGCAAAGTTGGTAGGTGTTTTCTACTACTTACAAAAAGTATTC-3'
Protein context (NP_001365140.1, residues 165-185): LPTLPTLLSR[Leu175Pro]KLFLVKDPLL